The following is an entry in ClinVar:

NM_000441.2(SLC26A4):c.1953del (p.Val653fs)

Gene: SLC26A4 (solute carrier family 26 member 4; plus strand). Cytogenetic location: 7q22.3.
Variant type: Deletion.
Coding change: c.1953del on transcript NM_000441.2 (MANE Select); coding-DNA position 1953, one base deleted (C; older notation c.1953delC).
Protein change: p.Val653fs; shifts the reading frame from valine 653.
Molecular consequence: frameshift variant.
Genome position (GRCh38, 1-based): chr7:107,701,976, C deleted; the last of 3 consecutive C bases (chr7:107,701,974-107,701,976); deleting any one gives the same sequence. VCF-style (leftmost placement, unchanged base first): chr7-107701973-TC-T. GRCh37 (hg19) VCF-style: chr7-107342418-TC-T.
Other names: short protein forms V653fs.
Identifiers: ClinVar variation 5014867 (VCV005014867.1).

ClinVar aggregate classification (germline): Pathogenic (1 of 4 stars; one submission).

Conditions:
Pendred syndrome (PDS). Also called: Pendred Syndrome (PDS); DEAFNESS WITH GOITER; GOITER-DEAFNESS SYNDROME; HYPOTHYROIDISM, CONGENITAL, DUE TO DYSHORMONOGENESIS, 2B; THYROID DYSHORMONOGENESIS 2B; THYROID HORMONOGENESIS, GENETIC DEFECT IN, 2B. Identifiers: Orphanet 705, MedGen C0271829, MONDO:0010134, OMIM 274600.

Submission:

Myriad Genetics, Inc.
Classification: Pathogenic for Pendred syndrome. Last evaluated: 2025-08-13. Review status: criteria provided, single submitter. Criteria: Myriad Autosomal Dominant, Autosomal Recessive and X-Linked Classification Criteria (2023). Collection method: clinical testing. Allele origin: unknown.
Comment: NM_000441.1(SLC26A4):c.1953delC(V653Cfs*21) is expected to be pathogenic in the context of Pendred syndrome. This variant is predicted to lead to an abnormal or absent protein product due to the creation of a premature termination codon in SLC26A4, a gene where loss-of-function variants are known to be pathogenic. Please note: this variant was assessed in the context of healthy population screening.